The following is an entry in ClinVar:

NM_003060.4(SLC22A5):c.394-171A>G

Gene: SLC22A5 (solute carrier family 22 member 5; plus strand). Cytogenetic location: 5q31.1.
Variant type: single nucleotide variant.
Coding change: c.394-171A>G on transcript NM_003060.4 (MANE Select); 171 bases into the intron before coding-DNA position 394, A replaced by G.
Molecular consequence: intron variant. On other transcripts: missense variant (1).
Genome position (GRCh38, 1-based): chr5:132,378,207, A>G. VCF-style: chr5-132378207-A-G. GRCh37 (hg19) VCF-style: chr5-131713899-A-G.
Other names: c.437A>G, p.Lys146Arg (NM_001308122.2); short protein forms K146R.
Identifiers: ClinVar variation 2498977 (VCV002498977.28), dbSNP rs2126775354, ClinGen allele CA360803306.
Genomic context (GRCh38, chr5:132,378,207, plus strand): 5'-CCTCCTCAAAATGGAAGCAAGACAGTGGGGCCTACAATGCTATGAAAAACAGGATGGGAA[A>G]GAAGCCTGCTCTCTGCCTTCCTGCCCAGGTGAGCCATCACCTGACTAAGTGAGTTCACAC-3'

ClinVar aggregate classification (germline): Uncertain significance (1 of 4 stars; one submission).

Allele frequency attached by ClinVar (database versions not stated): gnomAD exomes 0.00001.
gnomAD v4.1: 24 of 1,612,268 alleles (0.0015%); highest among the groups gnomAD compares: South Asian, 0.0022%; no homozygotes.

Submission:

CeGaT Center for Human Genetics Tuebingen
Classification: Uncertain significance. Last evaluated: 2023-02-01. Review status: criteria provided, single submitter. Criteria: CeGaT Center For Human Genetics Tuebingen Variant Classification Criteria Version 2. Collection method: clinical testing. Allele origin: germline. Affected: yes. Observed: 1 variant allele.
Comment: SLC22A5: PM2, BP4